The following is an entry in ClinVar:

ClinVar aggregate classification (germline): Uncertain significance (1 of 4 stars; one submission).

gnomAD v4.1: 1 of 1,613,572 alleles (0.000062%); no homozygotes.

Submission:

Labcorp Genetics (formerly Invitae), Labcorp
Classification: Uncertain significance. Last evaluated: 2024-06-09. Review status: criteria provided, single submitter. Criteria: Invitae Variant Classification Sherloc (09022015). Collection method: clinical testing. Allele origin: germline.
Comment: This sequence change replaces threonine, which is neutral and polar, with asparagine, which is neutral and polar, at codon 1899 of the MYO7A protein (p.Thr1899Asn). The frequency data for this variant in the population databases is considered unreliable, as metrics indicate poor data quality at this position in the gnomAD database. This variant has not been reported in the literature in individuals affected with MYO7A-related conditions. ClinVar contains an entry for this variant (Variation ID: 1922142). Advanced modeling of protein sequence and biophysical properties (such as structural, functional, and spatial information, amino acid conservation, physicochemical variation, residue mobility, and thermodynamic stability) performed at Invitae indicates that this missense variant is not expected to disrupt MYO7A protein function with a negative predictive value of 95%. In summary, the available evidence is currently insufficient to determine the role of this variant in disease. Therefore, it has been classified as a Variant of Uncertain Significance.

NM_000260.4(MYO7A):c.5696C>A (p.Thr1899Asn)

Gene: MYO7A (myosin VIIA; plus strand). Cytogenetic location: 11q13.5.
Variant type: single nucleotide variant.
Coding change: c.5696C>A on transcript NM_000260.4 (MANE Select); coding-DNA position 5696, C replaced by A.
Protein change: p.Thr1899Asn; replaces threonine 1899 with asparagine.
Molecular consequence: missense variant.
Genome position (GRCh38, 1-based): chr11:77,206,156, C>A. VCF-style: chr11-77206156-C-A. GRCh37 (hg19) VCF-style: chr11-76917201-C-A.
Other names: c.5582C>A, p.Thr1861Asn (NM_001127180.2); c.5549C>A, p.Thr1850Asn (NM_001369365.1); short protein forms T1850N, T1861N, T1899N.
Identifiers: ClinVar variation 1922142 (VCV001922142.4), dbSNP rs1445347445, ClinGen allele CA381953289.
Genomic context (GRCh38, chr11:77,206,156, plus strand): 5'-GAAACGGGTCCCGGAAGTACCCTCCGCACCTGGTGGAGGTGGAGGCCATCCAGCACAAGA[C>A]CACCCAGATTTTCCACAAAGTCTACTTCCCTGATGACACTGACGAGGTGAGGGTCACCGG-3'
Protein context (NP_000251.3, residues 1889-1909): LVEVEAIQHK[Thr1899Asn]TQIFHKVYFP